The following is an entry in ClinVar:

ClinVar aggregate classification (germline): Uncertain significance (0 of 4 stars; one submission).

Conditions:
SEMA3G-related disorder. Also called: SEMA3G-related condition.

gnomAD v4.1: 17 of 1,614,038 alleles (0.0011%); highest among the groups gnomAD compares: African/African-American, 0.0013%; no homozygotes.

Submission:

PreventionGenetics, part of Exact Sciences
Classification: Uncertain significance for SEMA3G-related condition. Last evaluated: 2024-01-04. Review status: no assertion criteria provided. Collection method: clinical testing. Allele origin: germline.
Comment: The SEMA3G c.2134C>A variant is predicted to result in the amino acid substitution p.Gln712Lys. To our knowledge, this variant has not been reported in the literature. This variant is reported in 0.0033% of alleles in individuals of South Asian descent in gnomAD. At this time, the clinical significance of this variant is uncertain due to the absence of conclusive functional and genetic evidence.

NM_020163.3(SEMA3G):c.2134C>A (p.Gln712Lys)

Gene: SEMA3G (semaphorin 3G; minus strand). Cytogenetic location: 3p21.1.
Variant type: single nucleotide variant.
Coding change: c.2134C>A on transcript NM_020163.3 (MANE Select); coding-DNA position 2134, C replaced by A.
Protein change: p.Gln712Lys; replaces glutamine 712 with lysine.
Molecular consequence: missense variant.
Genome position (GRCh38, 1-based): chr3:52,435,818, G>T on the plus strand (C>A on the coding strand, the complement: SEMA3G is on the minus strand). VCF-style: chr3-52435818-G-T. GRCh37 (hg19) VCF-style: chr3-52469834-G-T.
Other names: short protein forms Q712K.
Identifiers: ClinVar variation 3354905 (VCV003354905.1).
Genomic context (GRCh38, chr3:52,435,818, plus strand): 5'-TGCACCACACGCGCTCACAGTACTCATCCACCCGGGGCAGGTTGGCGAAGCCAATGAGCT[G>T]CAGGATGTCCTTGTACCAGGCCTTGGGTGGGGTGGAAGCCAGGCCTCCCCGGGCTGGGGG-3'
Protein context (NP_064548.1, residues 702-722): PPKAWYKDIL[Gln712Lys]LIGFANLPRV